The following is an entry in ClinVar:

ClinVar aggregate classification (germline): Uncertain significance. Review status: criteria provided, multiple submitters, no conflicts (2 of 4 stars). 3 submissions from 3 submitters: Uncertain significance (3). Last evaluated 2025-03-06.

Conditions:
Emery-Dreifuss muscular dystrophy 4, autosomal dominant (EDMD4). Also called: EMERY-DREIFUSS MUSCULAR DYSTROPHY 4 WITH VARIABLE FEATURES. Identifiers: Orphanet 261, MedGen C2751807, MONDO:0013071, OMIM 612998.
Autosomal recessive ataxia, Beauce type. Also called: ATAXIA, RECESSIVE, OF BEAUCE; SYNE1-Related Autosomal Recessive Cerebellar Ataxia; Spinocerebellar ataxia, autosomal recessive 8; SYNE1 Deficiency. Identifiers: Orphanet 88644, MedGen C1853116, MONDO:0012549, OMIM 610743.

Submissions (3):

Labcorp Genetics (formerly Invitae), Labcorp
Classification: Uncertain significance for Emery-Dreifuss muscular dystrophy 4, autosomal dominant; Autosomal recessive ataxia, Beauce type. Last evaluated: 2025-03-06. Review status: criteria provided, single submitter. Criteria: Invitae Variant Classification Sherloc (09022015). Collection method: clinical testing. Allele origin: germline.
Comment: This sequence change replaces alanine, which is neutral and non-polar, with asparagine, which is neutral and polar, at codon 3189 of the SYNE1 protein (p.Ala3189Asn). This variant is present in population databases (no rsID available, gnomAD 0.009%). This variant has not been reported in the literature in individuals affected with SYNE1-related conditions. ClinVar contains an entry for this variant (Variation ID: 374574). An algorithm developed to predict the effect of missense changes on protein structure and function (PolyPhen-2) suggests that this variant is likely to be disruptive. In summary, the available evidence is currently insufficient to determine the role of this variant in disease. Therefore, it has been classified as a Variant of Uncertain Significance.

GeneDx
Classification: Uncertain significance. Last evaluated: 2022-09-23. Review status: criteria provided, single submitter. Criteria: GeneDx Variant Classification Process June 2021. Collection method: clinical testing. Allele origin: germline. Affected: yes.
Comment: Not observed at significant frequency in large population cohorts (gnomAD); In silico analysis supports a deleterious effect on protein structure/function; Has not been previously published as pathogenic or benign to our knowledge

CeGaT Center for Human Genetics Tuebingen
Classification: Uncertain significance. Last evaluated: 2016-08-31. Review status: criteria provided, single submitter. Criteria: Praxis fuer Humangenetik Tuebingen - Variant Classification Criteria. Collection method: clinical testing. Allele origin: germline. Affected: yes. Observed: 2 variant alleles.

NM_182961.4(SYNE1):c.9544_9545delinsAA (p.Ala3182Asn)

Gene: SYNE1 (spectrin repeat containing nuclear envelope protein 1; minus strand). Cytogenetic location: 6q25.2.
Variant type: Indel.
Coding change: c.9544_9545delinsAA on transcript NM_182961.4 (MANE Select); coding-DNA positions 9544 to 9545, GC replaced by AA.
Protein change: p.Ala3182Asn; replaces alanine 3182 with asparagine.
Molecular consequence: missense variant.
Genome position (GRCh38, 1-based): chr6:152,369,577-152,369,578, GC replaced by TT on the plus strand (GC replaced by AA on the coding strand, the reverse complement: SYNE1 is on the minus strand). VCF-style: chr6-152369577-GC-TT. GRCh37 (hg19) VCF-style: chr6-152690712-GC-TT.
Other names: c.9565_9566delinsAA (NM_033071.3); c.9565_9566delinsAA, p.Ala3189Asn (NM_033071.5); short protein forms A3182N, A3189N.
Identifiers: ClinVar variation 374574 (VCV000374574.9), dbSNP rs1057519421, ClinGen allele CA16044175.